The following is an entry in ClinVar:

ClinVar aggregate classification (germline): Conflicting classifications of pathogenicity. Review status: criteria provided, conflicting classifications (1 of 4 stars). 4 submissions from 4 submitters: Uncertain significance (3); Likely benign (1). Last evaluated 2026-08-11.

Conditions:
TTN-related disorder. Also called: TTN-related condition; TTN-related disease; TTN-related disorders.
Autosomal recessive limb-girdle muscular dystrophy type 2J (LGMDR10). Also called: MUSCULAR DYSTROPHY, LIMB-GIRDLE, AUTOSOMAL RECESSIVE 10; Limb-girdle muscular dystrophy, type 2J. Identifiers: Orphanet 140922, MedGen C1837342, MONDO:0012127, OMIM 608807.
Dilated cardiomyopathy 1G (CMD1G). Identifiers: Orphanet 154, MedGen C1858763, MONDO:0011400, OMIM 604145.
Cardiomyopathy (CMYO). Also called: Cardiomyopathies. Identifiers: Orphanet 167848, MedGen C0878544, MONDO:0004994, HP:0001638. Inheritance: Various modes of inheritance.

Allele frequency attached by ClinVar (database versions not stated): ExAC 0.00002; gnomAD 0.00005; gnomAD exomes 0.00005 and 0.00011; TOPMed 0.00006; ESP Exome Variant Server 0.00008.
gnomAD v4.1: 164 of 1,613,180 alleles (0.01%); highest among the groups gnomAD compares: Non-Finnish European, 0.013%; no homozygotes.

Submissions (4):

PreventionGenetics, part of Exact Sciences
Classification: Uncertain significance for TTN-related condition. Last evaluated: 2026-08-11. Review status: criteria provided, single submitter. Criteria: ACMG Guidelines, 2015. Collection method: clinical testing. Allele origin: germline.
Comment: The TTN c.39427G>A variant is predicted to result in the amino acid substitution p.Val13143Ile. To our knowledge, this variant has not been reported in the literature. This variant is reported in 0.010% of alleles in individuals of European (Non-Finnish) descent in gnomAD. Although we suspect that this variant may be benign, at this time, the clinical significance of this variant is uncertain due to the absence of conclusive functional and genetic evidence.

CHEO Genetics Diagnostic Laboratory, Children's Hospital of Eastern Ontario
Classification: Likely benign for Cardiomyopathy. Last evaluated: 2022-12-02. Review status: criteria provided, single submitter. Criteria: ACMG Guidelines, 2015. Collection method: clinical testing. Allele origin: germline.

Revvity Omics, Revvity
Classification: Uncertain significance. Last evaluated: 2022-09-27. Review status: criteria provided, single submitter. Criteria: ACMG Guidelines, 2015. Collection method: clinical testing. Allele origin: germline.

Labcorp Genetics (formerly Invitae), Labcorp
Classification: Uncertain significance for Dilated cardiomyopathy 1G; Autosomal recessive limb-girdle muscular dystrophy type 2J. Last evaluated: 2016-03-19. Review status: criteria provided, single submitter. Criteria: Invitae Variant Classification Sherloc (09022015). Collection method: clinical testing. Allele origin: germline.

NM_001267550.2(TTN):c.39427G>A (p.Val13143Ile)

Gene: TTN (titin; minus strand). Cytogenetic location: 2q31.2.
Variant type: single nucleotide variant.
Coding change: c.39427G>A on transcript NM_001267550.2 (MANE Select); coding-DNA position 39427, G replaced by A.
Protein change: p.Val13143Ile; replaces valine 13143 with isoleucine.
Molecular consequence: missense variant. On other transcripts: intron variant (3).
Genome position (GRCh38, 1-based): chr2:178,651,702, C>T on the plus strand (G>A on the coding strand, the complement: TTN is on the minus strand). VCF-style: chr2-178651702-C-T. GRCh37 (hg19) VCF-style: chr2-179516429-C-T.
Other names: c.34906G>A, p.Val11636Ile (NM_001256850.1); c.32125G>A, p.Val10709Ile (NM_133378.4); c.13283-9385G>A (NM_003319.4); c.13859-9385G>A (NM_133437.4); c.13658-9385G>A (NM_133432.3); short protein forms V13143I, V10709I, V11636I.
Identifiers: ClinVar variation 238768 (VCV000238768.7), dbSNP rs375956503, ClinGen allele CA1996724.